The following is an entry in ClinVar:

NM_145046.5(CALR3):c.1067G>A (p.Arg356His)

Gene: CALR3 (calreticulin 3; minus strand). Cytogenetic location: 19p13.11.
Variant type: single nucleotide variant.
Coding change: c.1067G>A on transcript NM_145046.5 (MANE Select); coding-DNA position 1067, G replaced by A.
Protein change: p.Arg356His; replaces arginine 356 with histidine.
Molecular consequence: missense variant.
Genome position (GRCh38, 1-based): chr19:16,479,219, C>T on the plus strand (G>A on the coding strand, the complement: CALR3 is on the minus strand). VCF-style: chr19-16479219-C-T. GRCh37 (hg19) VCF-style: chr19-16590030-C-T.
Other names: short protein forms R356H.
Identifiers: ClinVar variation 1510882 (VCV001510882.6), dbSNP rs140290452, ClinGen allele CA9278181.

ClinVar aggregate classification (germline): Uncertain significance (1 of 4 stars; one submission).

Conditions:
Hypertrophic cardiomyopathy 19. Also called: Familial hypertrophic cardiomyopathy 19. Identifiers: MedGen CN077603, MONDO:0013476.

gnomAD v4.1: 76 of 1,613,962 alleles (0.0047%); highest among the groups gnomAD compares: Middle Eastern, 0.016%; no homozygotes.

Submission:

Labcorp Genetics (formerly Invitae), Labcorp
Classification: Uncertain significance for Hypertrophic cardiomyopathy 19. Last evaluated: 2024-04-03. Review status: criteria provided, single submitter. Criteria: Invitae Variant Classification Sherloc (09022015). Collection method: clinical testing. Allele origin: germline.
Comment: This sequence change replaces arginine, which is basic and polar, with histidine, which is basic and polar, at codon 356 of the CALR3 protein (p.Arg356His). This variant is present in population databases (rs140290452, gnomAD 0.004%). This variant has not been reported in the literature in individuals affected with CALR3-related conditions. ClinVar contains an entry for this variant (Variation ID: 1510882). Advanced modeling of protein sequence and biophysical properties (such as structural, functional, and spatial information, amino acid conservation, physicochemical variation, residue mobility, and thermodynamic stability) performed at Invitae indicates that this missense variant is not expected to disrupt CALR3 protein function with a negative predictive value of 80%. In summary, the available evidence is currently insufficient to determine the role of this variant in disease. Therefore, it has been classified as a Variant of Uncertain Significance.